The following is an entry in ClinVar:

ClinVar aggregate classification (germline): Uncertain significance (0 of 4 stars; one submission).

Submission:

Greenwood Genetic Center Diagnostic Laboratories, Greenwood Genetic Center
Classification: Uncertain significance. Last evaluated: 2020-11-30. Review status: no assertion criteria provided. Collection method: clinical testing. Allele origin: germline. Affected: yes.
Comment: Gene of uncertain clinical significance

NM_001080421.3(UNC13A):c.3249C>G (p.Ser1083Arg)

Gene: UNC13A (unc-13 homolog A; minus strand). Cytogenetic location: 19p13.11.
Variant type: single nucleotide variant.
Coding change: c.3249C>G on transcript NM_001080421.3 (MANE Select); coding-DNA position 3249, C replaced by G.
Protein change: p.Ser1083Arg; replaces serine 1083 with arginine.
Molecular consequence: missense variant.
Genome position (GRCh38, 1-based): chr19:17,633,160, G>C on the plus strand (C>G on the coding strand, the complement: UNC13A is on the minus strand). VCF-style: chr19-17633160-G-C. GRCh37 (hg19) VCF-style: chr19-17743969-G-C.
Other names: c.3243C>G, p.Ser1081Arg (NM_001387021.1, NM_001387022.1, NM_001387023.1); short protein forms S1081R, S1083R.
Identifiers: ClinVar variation 1331532 (VCV001331532.4), dbSNP rs774668042, ClinGen allele CA404707394.